The following is an entry in ClinVar:

ClinVar aggregate classification (germline): Likely pathogenic. Review status: reviewed by expert panel (3 of 4 stars). 4 submissions from 4 submitters: Likely pathogenic (1). 3 of the submissions do not count toward it. Last evaluated 2026-11-06.

Conditions:
Leber congenital amaurosis 1 (LCA1). Also called: AMAUROSIS CONGENITA OF LEBER I; RETINAL BLINDNESS, CONGENITAL; Congenital absence of the rods and cones; Leber's congenital tapetoretinal degeneration; Leber's congenital tapetoretinal dysplasia. Identifiers: Orphanet 65, MedGen C2931258, MONDO:0008764, OMIM 204000.
GUCY2D-related recessive retinopathy. Also called: Recessive GUCY2D retinopathy. Identifiers: MedGen CN305603, MONDO:0100453.

Submissions (4):

ClinGen Leber Congenital Amaurosis/early Onset Retinal Dystrophy Variant Curation Expert Panel, ClinGen
Classification: Likely pathogenic for GUCY2D-related recessive retinopathy. Last evaluated: 2026-11-06. Review status: reviewed by expert panel. Criteria: ClinGen LCAeoRD ACMG Specifications GUCY2D V1.0.0. Collection method: curation. Allele origin: germline. Inheritance: Autosomal recessive inheritance.
Comment: The NM_000180.4(GUCY2D):c.2836G>A (p.Ala946Thr) variant located in exon 15 of 20 causes the substitution of an alanine by a threonine at position p.946. This variant is absent from gnomAD v4.1.1 (PM2_Supporting). The computational predictor REVEL gives a score of 0.768, which is above the ClinGen LCA/eoRD VCEP threshold of ≥0.774 and predicts a damaging effect on RETGC-1 protein function (PP3_Moderate). This variant is a missense substitution between amino acids 873 and 951, within the guanylate cyclase catalytic domain which exhibits intolerance to missense variation (PM1_Supporting, PMID: 31704230). This variant has also been reported in at least 1 proband with early-onset severe retinal dystrophy who was compound heterozygous with NM_000180.4(GUCY2D):c.3224+3G>T in trans (1.0 points, personal communication from VCEP member) which was previously classified as Likely Pathogenic by the ClinGen LCA/eoRD VCEP (1.0 total points, PM3). At least one proband harboring this variant exhibits a phenotype including early onset retinal dystrophy (eoRD) (0.5), an onset between birth and age five years (1), nystagmus (1), absent rod (0.5) and cone (1) electroretinogram (ERG) responses, photophobia (1), decreased peripheral vision (1), RPE mottling (0.5) and had retinal dystrophy gene panel testing that did not provide an alternative explanation for visual impairment (2) which together are specific for GUCY2D-related recessive retinopathy (8.5 points, Personal Communication from VCEP member, PP4_Moderate). In summary, this variant meets the criteria to be classified as Likely Pathogenic for GUCY2D-related recessive retinopathy based on the ACMG/AMP criteria applied, as specified by the ClinGen LCA/eoRD VCEP: PM3, PP4_Moderate, PM1_Supporting, PM2_Supporting, PP3_Moderate. (VCEP specifications version 1.0.0)

Women's Health and Genetics/Laboratory Corporation of America, LabCorp
Classification: Uncertain significance. Last evaluated: 2024-12-05. Review status: criteria provided, single submitter. Criteria: LabCorp Variant Classification Summary - May 2015. Collection method: clinical testing. Allele origin: germline. Not counted in ClinVar's aggregate classification.
Comment: Variant summary: GUCY2D c.2836G>A (p.Ala946Thr) results in a non-conservative amino acid change located in the Adenylate and Guanylate cyclase catalytic domain (IPR001054) of the encoded protein sequence. Five of five in-silico tools predict a damaging effect of the variant on protein function. The variant was absent in 250454 control chromosomes (gnomAD). The available data on variant occurrences in the general population are insufficient to allow any conclusion about variant significance. c.2836G>A has been reported in the literature in one individual affected with Leber Congenital Amaurosis (Zhu_2021). These data do not allow any conclusion about variant significance. To our knowledge, no experimental evidence demonstrating an impact on protein function has been reported. The following publication have been ascertained in the context of this evaluation (PMID: 33970760). ClinVar contains an entry for this variant (Variation ID: 974649). Based on the evidence outlined above, the variant was classified as uncertain significance.

Juno Genomics, Hangzhou Juno Genomics, Inc
Classification: Likely pathogenic for Leber congenital amaurosis 1. Review status: criteria provided, single submitter. Criteria: ACMG Guidelines, 2015. Collection method: clinical testing. Allele origin: germline. Affected: yes. Not counted in ClinVar's aggregate classification.
Comment: Absent from controls (or at extremely low frequency if recessive) in Genome Aggregation Database.;Multiple lines of computational evidence support a deleterious effect on the gene or gene product.;Located in a mutational hot spot and/or critical and well-established functional domain without benign variation.;For recessive disorders, detected in trans with a pathogenic variant.

Laboratory of Genetics in Ophthalmology, Institut Imagine
Classification: Likely pathogenic for Leber congenital amaurosis 1. Review status: no assertion criteria provided. Collection method: research. Allele origin: inherited. Affected: yes. Observed: 1 variant allele. Not counted in ClinVar's aggregate classification.

Literature cited by the submitters: PubMed 33970760 (cited by Women's Health and Genetics/Laboratory Corporation of America, LabCorp).

NM_000180.4(GUCY2D):c.2836G>A (p.Ala946Thr)

Gene: GUCY2D (guanylate cyclase 2D, retinal; plus strand). Cytogenetic location: 17p13.1.
Variant type: single nucleotide variant.
Coding change: c.2836G>A on transcript NM_000180.4 (MANE Select); coding-DNA position 2836, G replaced by A.
Protein change: p.Ala946Thr; replaces alanine 946 with threonine.
Molecular consequence: missense variant.
Genome position (GRCh38, 1-based): chr17:8,015,394, G>A. VCF-style: chr17-8015394-G-A. GRCh37 (hg19) VCF-style: chr17-7918712-G-A.
Other names: NM_000180.4(GUCY2D):c.2836G>A; p.Ala946Thr; short protein forms A946T.
Identifiers: ClinVar variation 974649 (VCV000974649.5), dbSNP rs1975945845, ClinGen allele CA397954531.